The following is an entry in ClinVar:

NM_001040716.2(PC):c.1353C>T (p.Arg451=)

Gene: PC (pyruvate carboxylase; minus strand). Cytogenetic location: 11q13.2.
Variant type: single nucleotide variant.
Coding change: c.1353C>T on transcript NM_001040716.2 (MANE Select); coding-DNA position 1353, C replaced by T.
Protein change: p.Arg451=; no amino-acid change (arginine 451 retained).
Molecular consequence: synonymous variant.
Genome position (GRCh38, 1-based): chr11:66,863,789, G>A on the plus strand (C>T on the coding strand, the complement: PC is on the minus strand). VCF-style: chr11-66863789-G-A. GRCh37 (hg19) VCF-style: chr11-66631260-G-A.
Other names: c.1353C>T, p.Arg451= (NM_000920.4, NM_022172.3).
Identifiers: ClinVar variation 722196 (VCV000722196.34), dbSNP rs542353629, ClinGen allele CA6131913.

ClinVar aggregate classification (germline): Likely benign. Review status: criteria provided, multiple submitters, no conflicts (2 of 4 stars). 2 submissions from 2 submitters: Likely benign (2). Last evaluated 2024-02-14.

Conditions:
Pyruvate carboxylase deficiency. Also called: ATAXIA WITH LACTIC ACIDOSIS II; LEIGH NECROTIZING ENCEPHALOPATHY DUE TO PYRUVATE CARBOXYLASE DEFICIENCY; LEIGH SYNDROME DUE TO PYRUVATE CARBOXYLASE DEFICIENCY; PC DEFICIENCY; Pyruvate Carboxylase Deficiency Disease. Identifiers: Orphanet 3008, MedGen C0034341, MONDO:0009949, OMIM 266150.

Allele frequency attached by ClinVar (database versions not stated): gnomAD 0.00002 and 0.00007; gnomAD exomes 0.00002 and 0.00004; TOPMed 0.00003; ExAC 0.00007; 1000 Genomes Project 30x 0.00062; 1000 Genomes Project 0.00080.
gnomAD v4.1: 61 of 1,611,752 alleles (0.0038%); highest among the groups gnomAD compares: South Asian, 0.045%; 1 homozygote.

Submissions (2):

Labcorp Genetics (formerly Invitae), Labcorp
Classification: Likely benign for Pyruvate carboxylase deficiency. Last evaluated: 2024-02-14. Review status: criteria provided, single submitter. Criteria: Invitae Variant Classification Sherloc (09022015). Collection method: clinical testing. Allele origin: germline.

CeGaT Center for Human Genetics Tuebingen
Classification: Likely benign. Last evaluated: 2022-07-01. Review status: criteria provided, single submitter. Criteria: CeGaT Center For Human Genetics Tuebingen Variant Classification Criteria Version 2. Collection method: clinical testing. Allele origin: germline. Affected: yes. Observed: 1 variant allele.
Comment: PC: BP4, BP7